The following is an entry in ClinVar:

ClinVar aggregate classification (germline): Uncertain significance (1 of 4 stars; one submission).

Conditions:
Intellectual developmental disorder 62. Also called: MENTAL RETARDATION, AUTOSOMAL DOMINANT 62; INTELLECTUAL DEVELOPMENTAL DISORDER, AUTOSOMAL DOMINANT 62. Identifiers: MedGen C5394083, MONDO:0032919, OMIM 618793.

Submission:

Clinical Genomics Laboratory, Washington University in St. Louis
Classification: Uncertain significance for Intellectual developmental disorder 62. Last evaluated: 2025-04-14. Review status: criteria provided, single submitter. Criteria: ACMG Guidelines, 2015. Collection method: clinical testing. Allele origin: germline.
Comment: The DLG4 c.1632G>T (p.Lys544Asn) variant, to our knowledge, has not been reported in the medical literature and is absent from the general population (gnomAD v.2.1.1), indicating it is not a common variant. Computational predictors suggest that the variant does not impact DLG4 function. Due to limited information, and based on ACMG/AMP guidelines for variant interpretation (Richards S et al., PMID: 25741868), the clinical significance of this variant is uncertain at this time.

NM_001321075.3(DLG4):c.1632G>T (p.Lys544Asn)

Gene: DLG4 (discs large MAGUK scaffold protein 4; minus strand). Cytogenetic location: 17p13.1.
Variant type: single nucleotide variant.
Coding change: c.1632G>T on transcript NM_001321075.3 (MANE Select); coding-DNA position 1632, G replaced by T.
Protein change: p.Lys544Asn; replaces lysine 544 with asparagine.
Molecular consequence: missense variant. On other transcripts: non-coding transcript variant (1).
Genome position (GRCh38, 1-based): chr17:7,193,544, C>A on the plus strand (G>T on the coding strand, the complement: DLG4 is on the minus strand). VCF-style: chr17-7193544-C-A. GRCh37 (hg19) VCF-style: chr17-7096863-C-A.
Other names: c.1623G>T, p.Lys541Asn (NM_001128827.4); c.1752G>T, p.Lys584Asn (NM_001321074.1); c.1452G>T, p.Lys484Asn (NM_001321076.3, NM_001321077.3); c.1761G>T, p.Lys587Asn (NM_001365.5); c.1551G>T, p.Lys517Asn (NM_001369566.3); short protein forms K484N, K517N, K541N, K544N, K584N, K587N.
Identifiers: ClinVar variation 4279751 (VCV004279751.1).